The following is an entry in ClinVar:

ClinVar aggregate classification (germline): Uncertain significance (1 of 4 stars; one submission).

Conditions:
Hereditary cancer-predisposing syndrome. Also called: Hereditary neoplastic syndrome; Neoplastic Syndromes, Hereditary; Tumor predisposition; Hereditary Cancer Syndrome. Identifiers: Orphanet 140162, MedGen C0027672, MeSH D009386, MONDO:0015356.

Submission:

Ambry Genetics
Classification: Uncertain significance for Hereditary cancer-predisposing syndrome. Last evaluated: 2025-01-05. Review status: criteria provided, single submitter. Criteria: Ambry Variant Classification Scheme 2023. Collection method: clinical testing. Allele origin: germline.
Comment: The p.S409C variant (also known as c.1225A>T), located in coding exon 5 of the ALK gene, results from an A to T substitution at nucleotide position 1225. The serine at codon 409 is replaced by cysteine, an amino acid with dissimilar properties. This amino acid position is conserved. In addition, this alteration is predicted to be tolerated by in silico analysis. Based on the available evidence, the clinical significance of this variant remains unclear.

NM_004304.5(ALK):c.1225A>T (p.Ser409Cys)

Gene: ALK (ALK receptor tyrosine kinase; minus strand). Cytogenetic location: 2p23.2.
Variant type: single nucleotide variant.
Coding change: c.1225A>T on transcript NM_004304.5 (MANE Select); coding-DNA position 1225, A replaced by T.
Protein change: p.Ser409Cys; replaces serine 409 with cysteine.
Molecular consequence: missense variant.
Genome position (GRCh38, 1-based): chr2:29,383,789, T>A on the plus strand (A>T on the coding strand, the complement: ALK is on the minus strand). VCF-style: chr2-29383789-T-A. GRCh37 (hg19) VCF-style: chr2-29606655-T-A.
Other names: short protein forms S409C.
Identifiers: ClinVar variation 3855192 (VCV003855192.1).